The following is an entry in ClinVar:

ClinVar aggregate classification (germline): Uncertain significance. Review status: criteria provided, multiple submitters, no conflicts (2 of 4 stars). 2 submissions from 2 submitters: Uncertain significance (2). Last evaluated 2025-10-30.

Conditions:
Inborn genetic diseases. Identifiers: MedGen C0950123, MeSH D030342.

Allele frequency attached by ClinVar (database versions not stated): ExAC 0.00001; TOPMed 0.00005; gnomAD exomes 0.00002 and 0.00004; gnomAD 0.00003 and 0.00004.
gnomAD v4.1: 28 of 1,612,088 alleles (0.0017%); highest among the groups gnomAD compares: Admixed American, 0.01%; no homozygotes.

Submissions (2):

Ambry Genetics
Classification: Uncertain significance for Inborn genetic diseases. Last evaluated: 2025-10-30. Review status: criteria provided, single submitter. Criteria: Ambry Variant Classification Scheme 2023. Collection method: clinical testing. Allele origin: germline.

Labcorp Genetics (formerly Invitae), Labcorp
Classification: Uncertain significance. Last evaluated: 2024-10-16. Review status: criteria provided, single submitter. Criteria: Invitae Variant Classification Sherloc (09022015). Collection method: clinical testing. Allele origin: germline.
Comment: This sequence change replaces alanine, which is neutral and non-polar, with valine, which is neutral and non-polar, at codon 359 of the FERMT1 protein (p.Ala359Val). This variant is present in population databases (rs372599720, gnomAD 0.01%). This variant has not been reported in the literature in individuals affected with FERMT1-related conditions. ClinVar contains an entry for this variant (Variation ID: 1371860). Invitae Evidence Modeling of protein sequence and biophysical properties (such as structural, functional, and spatial information, amino acid conservation, physicochemical variation, residue mobility, and thermodynamic stability) indicates that this missense variant is not expected to disrupt FERMT1 protein function with a negative predictive value of 80%. In summary, the available evidence is currently insufficient to determine the role of this variant in disease. Therefore, it has been classified as a Variant of Uncertain Significance.

NM_017671.5(FERMT1):c.1076C>T (p.Ala359Val)

Gene: FERMT1 (FERM domain containing kindlin 1; minus strand). Cytogenetic location: 20p12.3.
Variant type: single nucleotide variant.
Coding change: c.1076C>T on transcript NM_017671.5 (MANE Select); coding-DNA position 1076, C replaced by T.
Protein change: p.Ala359Val; replaces alanine 359 with valine.
Molecular consequence: missense variant.
Genome position (GRCh38, 1-based): chr20:6,096,915, G>A on the plus strand (C>T on the coding strand, the complement: FERMT1 is on the minus strand). VCF-style: chr20-6096915-G-A. GRCh37 (hg19) VCF-style: chr20-6077562-G-A.
Other names: c.1076C>T (NM_017671.4); short protein forms A359V.
Identifiers: ClinVar variation 1371860 (VCV001371860.8), dbSNP rs372599720, ClinGen allele CA9758268.
Genomic context (GRCh38, chr20:6,096,915, plus strand): 5'-CAATCAGAAGAAAGCCACAGTTCTGGGTGATCAGAAAAAGTTCATACCAAAAGGCTGTCC[G>A]CTTTTCCACCTTCTAGGGTTACTTCCAAATTAGAAAGCGCCGCTTCTATTTCATCAACCT-3'
Protein context (NP_060141.3, residues 349-369): NLEVTLEGGK[Ala359Val]DSLLEDITDI